The following is an entry in ClinVar:

NM_001365480.1(CCDC88A):c.4268C>T (p.Thr1423Ile)

Gene: CCDC88A (coiled-coil and HOOK domain protein 88A; minus strand). Cytogenetic location: 2p16.1.
Variant type: single nucleotide variant.
Coding change: c.4268C>T on transcript NM_001365480.1 (MANE Select); coding-DNA position 4268, C replaced by T.
Protein change: p.Thr1423Ile; replaces threonine 1423 with isoleucine.
Molecular consequence: missense variant.
Genome position (GRCh38, 1-based): chr2:55,308,928, G>A on the plus strand (C>T on the coding strand, the complement: CCDC88A is on the minus strand). VCF-style: chr2-55308928-G-A. GRCh37 (hg19) VCF-style: chr2-55536064-G-A.
Other names: c.4265C>T, p.Thr1422Ile (NM_001135597.2, NM_001254943.2); c.4268C>T, p.Thr1423Ile (NM_018084.5); short protein forms T1422I, T1423I.
Identifiers: ClinVar variation 1501147 (VCV001501147.6), dbSNP rs766314313, ClinGen allele CA1665604.

ClinVar aggregate classification (germline): Uncertain significance (1 of 4 stars; one submission).

Allele frequency attached by ClinVar (database versions not stated): TOPMed below 0.00001; ExAC 0.00001; gnomAD 0.00001; gnomAD exomes 0.00001.
gnomAD v4.1: 4 of 1,613,798 alleles (0.00025%); highest among the groups gnomAD compares: East Asian, 0.0022%; no homozygotes.

Submission:

Labcorp Genetics (formerly Invitae), Labcorp
Classification: Uncertain significance. Last evaluated: 2022-08-10. Review status: criteria provided, single submitter. Criteria: Invitae Variant Classification Sherloc (09022015). Collection method: clinical testing. Allele origin: germline.
Comment: Algorithms developed to predict the effect of missense changes on protein structure and function are either unavailable or do not agree on the potential impact of this missense change (SIFT: "Deleterious"; PolyPhen-2: "Possibly Damaging"; Align-GVGD: "Class C0"). ClinVar contains an entry for this variant (Variation ID: 1501147). This variant has not been reported in the literature in individuals affected with CCDC88A-related conditions. This variant is present in population databases (rs766314313, gnomAD 0.006%). This sequence change replaces threonine, which is neutral and polar, with isoleucine, which is neutral and non-polar, at codon 1422 of the CCDC88A protein (p.Thr1422Ile). In summary, the available evidence is currently insufficient to determine the role of this variant in disease. Therefore, it has been classified as a Variant of Uncertain Significance.